The following is an entry in ClinVar:

NM_000064.4(C3):c.599+4T>C

Gene: C3 (complement C3; minus strand). Cytogenetic location: 19p13.3.
Variant type: single nucleotide variant.
Coding change: c.599+4T>C on transcript NM_000064.4 (MANE Select); 4 bases into the intron after coding-DNA position 599, T replaced by C.
Molecular consequence: intron variant.
Genome position (GRCh38, 1-based): chr19:6,714,348, A>G on the plus strand (T>C on the coding strand, the complement: C3 is on the minus strand). VCF-style: chr19-6714348-A-G. GRCh37 (hg19) VCF-style: chr19-6714359-A-G.
Identifiers: ClinVar variation 2131473 (VCV002131473.5), dbSNP rs2512267157, ClinGen allele CA2580097046.

ClinVar aggregate classification (germline): Uncertain significance. Review status: criteria provided, multiple submitters, no conflicts (2 of 4 stars). 2 submissions from 2 submitters: Uncertain significance (2). Last evaluated 2025-07-16.

Submissions (2):

Women's Health and Genetics/Laboratory Corporation of America, LabCorp
Classification: Uncertain significance. Last evaluated: 2025-07-16. Review status: criteria provided, single submitter. Criteria: LabCorp Variant Classification Summary - May 2015. Collection method: clinical testing. Allele origin: germline.
Comment: Variant summary: C3 c.599+4T>C alters a nucleotide located close to a canonical splice site and therefore could affect mRNA splicing, leading to a significantly altered protein sequence. Consensus agreement among computation tools predict no significant impact on normal splicing. However, these predictions have yet to be confirmed by functional studies. The variant was absent in 251212 control chromosomes (gnomAD). The available data on variant occurrences in the general population are insufficient to allow any conclusion about variant significance. To our knowledge, no occurrence of c.599+4T>C in individuals affected with &phenotype& and no experimental evidence demonstrating its impact on protein function have been reported. ClinVar contains an entry for this variant (Variation ID: 2131473). Based on the evidence outlined above, the variant was classified as uncertain significance.

Labcorp Genetics (formerly Invitae), Labcorp
Classification: Uncertain significance. Last evaluated: 2025-03-28. Review status: criteria provided, single submitter. Criteria: Invitae Variant Classification Sherloc (09022015). Collection method: clinical testing. Allele origin: germline.
Comment: This sequence change falls in intron 5 of the C3 gene. It does not directly change the encoded amino acid sequence of the C3 protein. It affects a nucleotide within the consensus splice site. This variant is not present in population databases (gnomAD no frequency). This variant has not been reported in the literature in individuals affected with C3-related conditions. ClinVar contains an entry for this variant (Variation ID: 2131473). Variants that disrupt the consensus splice site are a relatively common cause of aberrant splicing (PMID: 17576681, 9536098). Algorithms developed to predict the effect of sequence changes on RNA splicing suggest that this variant is not likely to affect RNA splicing. In summary, the available evidence is currently insufficient to determine the role of this variant in disease. Therefore, it has been classified as a Variant of Uncertain Significance.

Literature cited by the submitters: PubMed 17576681 (cited by Labcorp Genetics (formerly Invitae), Labcorp); PubMed 9536098 (cited by Labcorp Genetics (formerly Invitae), Labcorp).